The following is an entry in ClinVar:

NM_001127222.2(CACNA1A):c.2875C>A (p.Arg959Ser)

Gene: CACNA1A (calcium voltage-gated channel subunit alpha1 A; minus strand). Cytogenetic location: 19p13.13.
Variant type: single nucleotide variant.
Coding change: c.2875C>A on transcript NM_001127222.2 (MANE Select); coding-DNA position 2875, C replaced by A.
Protein change: p.Arg959Ser; replaces arginine 959 with serine.
Molecular consequence: missense variant.
Genome position (GRCh38, 1-based): chr19:13,298,758, G>T on the plus strand (C>A on the coding strand, the complement: CACNA1A is on the minus strand). VCF-style: chr19-13298758-G-T. GRCh37 (hg19) VCF-style: chr19-13409572-G-T.
Other names: c.2887C>A, p.Arg963Ser (NM_000068.4, NM_023035.3); c.2878C>A, p.Arg960Ser (NM_001127221.2, NM_001174080.2); short protein forms R963S, R959S, R960S.
Identifiers: ClinVar variation 2943380 (VCV002943380.3), dbSNP rs2144953917, ClinGen allele CA404342544.

ClinVar aggregate classification (germline): Uncertain significance (1 of 4 stars; one submission).

Conditions:
Episodic ataxia type 2 (EA2). Also called: CEREBELLAR ATAXIA, PAROXYSMAL, ACETAZOLAMIDE-RESPONSIVE; CEREBELLOPATHY, HEREDITARY PAROXYSMAL; EPISODIC ATAXIA, NYSTAGMUS-ASSOCIATED; ACETAZOLAMIDE-RESPONSIVE HEREDITARY PAROXYSMAL CEREBELLAR ATAXIA; ATAXIA, EPISODIC, WITH NYSTAGMUS; ATAXIA, FAMILIAL PAROXYSMAL. Identifiers: Orphanet 97, MedGen C1720416, MONDO:0007163, OMIM 108500.
Developmental and epileptic encephalopathy, 42 (DEE42A). Also called: Epileptic encephalopathy, early infantile, 42; DEVELOPMENTAL AND EPILEPTIC ENCEPHALOPATHY 42A; EPILEPTIC ENCEPHALOPATHY, EARLY INFANTILE, 42A. Identifiers: MedGen C4310716, MONDO:0014917, OMIM 617106.

Submission:

Labcorp Genetics (formerly Invitae), Labcorp
Classification: Uncertain significance for Developmental and epileptic encephalopathy, 42; Episodic ataxia type 2. Last evaluated: 2023-03-26. Review status: criteria provided, single submitter. Criteria: Invitae Variant Classification Sherloc (09022015). Collection method: clinical testing. Allele origin: germline.
Comment: In summary, the available evidence is currently insufficient to determine the role of this variant in disease. Therefore, it has been classified as a Variant of Uncertain Significance. Advanced modeling of protein sequence and biophysical properties (such as structural, functional, and spatial information, amino acid conservation, physicochemical variation, residue mobility, and thermodynamic stability) performed at Invitae indicates that this missense variant is not expected to disrupt CACNA1A protein function. This variant has not been reported in the literature in individuals affected with CACNA1A-related conditions. This variant is not present in population databases (gnomAD no frequency). This sequence change replaces arginine, which is basic and polar, with serine, which is neutral and polar, at codon 960 of the CACNA1A protein (p.Arg960Ser).